The following is an entry in ClinVar:

NM_012470.4(TNPO3):c.1011+4G>C

Gene: TNPO3 (transportin 3; minus strand). Cytogenetic location: 7q32.1.
Variant type: single nucleotide variant.
Coding change: c.1011+4G>C on transcript NM_012470.4 (MANE Select); 4 bases into the intron after coding-DNA position 1011, G replaced by C.
Molecular consequence: intron variant.
Genome position (GRCh38, 1-based): chr7:129,000,425, C>G on the plus strand (G>C on the coding strand, the complement: TNPO3 is on the minus strand). VCF-style: chr7-129000425-C-G. GRCh37 (hg19) VCF-style: chr7-128640479-C-G.
Other names: c.867+4G>C (NM_001382221.1); c.1011+4G>C (NM_001382222.1, NM_001382219.1, NM_001382223.1 and 4 more transcripts); c.1092+4G>C (NM_001382217.1).
Identifiers: ClinVar variation 3621970 (VCV003621970.2).

ClinVar aggregate classification (germline): Uncertain significance (1 of 4 stars; one submission).

Conditions:
Autosomal dominant limb-girdle muscular dystrophy type 1F (LGMDD2). Also called: Limb-girdle muscular dystrophy, type 1F; MUSCULAR DYSTROPHY, LIMB-GIRDLE, AUTOSOMAL DOMINANT 2. Identifiers: Orphanet 55595, MedGen C1842062, MONDO:0012034, OMIM 608423.

gnomAD v4.1: 1 of 1,611,284 alleles (0.000062%); highest among the groups gnomAD compares: Non-Finnish European, 0.000085%; no homozygotes.

Submission:

Labcorp Genetics (formerly Invitae), Labcorp
Classification: Uncertain significance for Autosomal dominant limb-girdle muscular dystrophy type 1F. Last evaluated: 2024-03-12. Review status: criteria provided, single submitter. Criteria: Invitae Variant Classification Sherloc (09022015). Collection method: clinical testing. Allele origin: germline.
Comment: This sequence change falls in intron 7 of the TNPO3 gene. It does not directly change the encoded amino acid sequence of the TNPO3 protein. It affects a nucleotide within the consensus splice site. This variant is not present in population databases (gnomAD no frequency). This variant has not been reported in the literature in individuals affected with TNPO3-related conditions. Variants that disrupt the consensus splice site are a relatively common cause of aberrant splicing (PMID: 17576681, 9536098). Algorithms developed to predict the effect of sequence changes on RNA splicing suggest that this variant is not likely to affect RNA splicing. In summary, the available evidence is currently insufficient to determine the role of this variant in disease. Therefore, it has been classified as a Variant of Uncertain Significance.

Literature cited by the submitters: PubMed 17576681; PubMed 9536098.